The following is an entry in ClinVar:

ClinVar aggregate classification (germline): Uncertain significance (1 of 4 stars; one submission).

gnomAD v4.1: 19 of 1,613,906 alleles (0.0012%); highest among the groups gnomAD compares: Middle Eastern, 0.017%; no homozygotes.

Submission:

Labcorp Genetics (formerly Invitae), Labcorp
Classification: Uncertain significance. Last evaluated: 2025-11-20. Review status: criteria provided, single submitter. Criteria: Invitae Variant Classification Sherloc (09022015). Collection method: clinical testing. Allele origin: germline.
Comment: This sequence change replaces lysine, which is basic and polar, with threonine, which is neutral and polar, at codon 663 of the TOP3A protein (p.Lys663Thr). This variant is present in population databases (rs779085553, gnomAD 0.003%). This variant has not been reported in the literature in individuals affected with TOP3A-related conditions. An algorithm developed to predict the effect of missense changes on protein structure and function (PolyPhen-2) suggests that this variant is likely to be tolerated. In summary, the available evidence is currently insufficient to determine the role of this variant in disease. Therefore, it has been classified as a Variant of Uncertain Significance.

NM_004618.5(TOP3A):c.1988A>C (p.Lys663Thr)

Gene: TOP3A (DNA topoisomerase III alpha; minus strand). Cytogenetic location: 17p11.2.
Variant type: single nucleotide variant.
Coding change: c.1988A>C on transcript NM_004618.5 (MANE Select); coding-DNA position 1988, A replaced by C.
Protein change: p.Lys663Thr; replaces lysine 663 with threonine.
Molecular consequence: missense variant.
Genome position (GRCh38, 1-based): chr17:18,282,731, T>G on the plus strand (A>C on the coding strand, the complement: TOP3A is on the minus strand). VCF-style: chr17-18282731-T-G. GRCh37 (hg19) VCF-style: chr17-18186045-T-G.
Other names: c.1703A>C, p.Lys568Thr (NM_001320759.2); short protein forms K663T, K568T.
Identifiers: ClinVar variation 4738662 (VCV004738662.1).